The following is an entry in ClinVar:

NM_015340.4(LARS2):c.196C>T (p.Arg66Ter)

Gene: LARS2 (leucyl-tRNA synthetase 2, mitochondrial; plus strand). Cytogenetic location: 3p21.31.
Variant type: single nucleotide variant.
Coding change: c.196C>T on transcript NM_015340.4 (MANE Select); coding-DNA position 196, C replaced by T.
Protein change: p.Arg66Ter; replaces arginine 66 with a stop codon.
Molecular consequence: nonsense.
Genome position (GRCh38, 1-based): chr3:45,394,649, C>T. VCF-style: chr3-45394649-C-T. GRCh37 (hg19) VCF-style: chr3-45436141-C-T.
Other names: c.196C>T, p.Arg66Ter (NM_001368263.1); short protein forms R66*.
Identifiers: ClinVar variation 2690635 (VCV002690635.7), dbSNP rs1214818871, ClinGen allele CA352974849.

ClinVar aggregate classification (germline): Pathogenic/Likely pathogenic. Review status: criteria provided, multiple submitters, no conflicts (2 of 4 stars). 4 submissions from 4 submitters: Pathogenic (2); Likely pathogenic (2). Last evaluated 2026-04-18.

Conditions:
Hydrops-lactic acidosis-sideroblastic anemia-multisystemic failure syndrome. Also called: Hydrops, lactic acidosis, and sideroblastic anemia. Identifiers: Orphanet 528091, MedGen C4310761, MONDO:0014869, OMIM 617021.

Allele frequency attached by ClinVar (database versions not stated): gnomAD exomes 0.00001.
gnomAD v4.1: 14 of 1,613,900 alleles (0.00087%); highest among the groups gnomAD compares: East Asian, 0.0045%; no homozygotes.

Submissions (4):

Dasa
Classification: Likely pathogenic. Last evaluated: 2026-04-18. Review status: criteria provided, single submitter. Criteria: DASA Assertion Criteria. Collection method: clinical testing. Allele origin: germline.
Comment: NM_015340.4(LARS2):c.196C>T (p.Arg66*) is a nonsense variant in LARS2 predicted to introduce a premature termination codon and is predicted to result in an absent or altered protein product. Loss of function is an established disease mechanism for LARS2-associated disorders. Also, this variant is rare in population databases. Based on the currently available evidence, this variant is classified as likely pathogenic.

3billion
Classification: Pathogenic for Hydrops-lactic acidosis-sideroblastic anemia-multisystemic failure syndrome. Last evaluated: 2026-01-30. Review status: criteria provided, single submitter. Criteria: ACMG Guidelines, 2015. Collection method: clinical testing. Allele origin: germline. Affected: yes.
Comment: The variant is observed at an extremely low frequency in the gnomAD v4.1.0 dataset (total allele frequency: <0.001%). Predicted Consequence/Location: Stop-gained (nonsense): predicted to result in a loss or disruption of normal protein function through nonsense-mediated decay (NMD) or protein truncation. Multiple pathogenic variants are reported downstream of the variant. The variant has been reported at least twice as pathogenic with clinical assertions and evidence for the classification (ClinVar ID: VCV002690635). Therefore, this variant is classified as Pathogenic according to the recommendation of ACMG/AMP guideline.

Labcorp Genetics (formerly Invitae), Labcorp
Classification: Pathogenic. Last evaluated: 2024-08-28. Review status: criteria provided, single submitter. Criteria: Invitae Variant Classification Sherloc (09022015). Collection method: clinical testing. Allele origin: germline.
Comment: This sequence change creates a premature translational stop signal (p.Arg66*) in the LARS2 gene. It is expected to result in an absent or disrupted protein product. Loss-of-function variants in LARS2 are known to be pathogenic (PMID: 23541342, 30737337). This variant is not present in population databases (gnomAD no frequency). This variant has not been reported in the literature in individuals affected with LARS2-related conditions. For these reasons, this variant has been classified as Pathogenic.

Revvity Omics, Revvity
Classification: Likely pathogenic. Last evaluated: 2023-03-17. Review status: criteria provided, single submitter. Criteria: ACMG Guidelines, 2015. Collection method: clinical testing. Allele origin: germline.

Literature cited by the submitters: PubMed 23541342 (cited by Labcorp Genetics (formerly Invitae), Labcorp); PubMed 30737337 (cited by Labcorp Genetics (formerly Invitae), Labcorp).